The following is an entry in ClinVar:

NM_000053.4(ATP7B):c.2757dup (p.Phe920fs)

Gene: ATP7B (ATPase copper transporting beta; minus strand). Cytogenetic location: 13q14.3.
Variant type: Duplication.
Coding change: c.2757dup on transcript NM_000053.4 (MANE Select); coding-DNA position 2757, one base duplicated (G; older notation c.2757dupG).
Protein change: p.Phe920fs; shifts the reading frame from phenylalanine 920.
Molecular consequence: frameshift variant. On other transcripts: intron variant (3).
Genome position (GRCh38, 1-based): chr13:51,949,770, C duplicated on the plus strand (G on the coding strand, the reverse complement: ATP7B is on the minus strand); the first of 2 consecutive C bases (chr13:51,949,770-51,949,771); duplicating either gives the same sequence. VCF-style (leftmost placement, unchanged base first): chr13-51949769-A-AC. GRCh37 (hg19) VCF-style: chr13-52523905-A-AC.
Other names: c.2175dup, p.Phe726fs (NM_001406544.1); c.2109dup, p.Phe704fs (NM_001406545.1, NM_001406547.1); c.2271dup, p.Phe758fs (NM_001406546.1, NM_001406541.1, NM_001406542.1); c.1467dup, p.Phe490fs (NM_001406548.1); c.2244+237dup (NM_001005918.3); c.2730+237dup (NM_001406535.1, NM_001406519.1); c.2424dup, p.Phe809fs (NM_001243182.2); c.2523dup, p.Phe842fs (NM_001330578.2, NM_001406527.1, NM_001406528.1 and 2 more transcripts); and 10 more; short protein forms F490fs, F704fs, F726fs, F758fs, F777fs, F804fs, F809fs, F810fs.
Identifiers: ClinVar variation 4852550 (VCV004852550.1).

ClinVar aggregate classification (germline): Pathogenic (1 of 4 stars; one submission).

Conditions:
Wilson disease (WND). Also called: Wilson's disease. Identifiers: Orphanet 905, MedGen C0019202, MONDO:0010200, OMIM 277900. Disease mechanism: loss of function.

Submission:

Chongqing Key Laboratory of Child Rare Diseases in Infection and Immunity, Children’s Hospital of Chongqing Medical University
Classification: Pathogenic for Wilson disease. Last evaluated: 2024-01-01. Review status: criteria provided, single submitter. Criteria: ACMG Guidelines, 2015. Collection method: clinical testing. Allele origin: germline. Inheritance: Autosomal recessive inheritance. Affected: yes.
Comment: Classified as Pathogenic according to the ACMG/AMP 2015 guidelines (PMID:25741868). The classification was based on the available submitted evidence for Wilson disease (OMIM:277900), including clinical-testing observations, variant consequence/protein annotation, and published or ClinVar evidence where available. Supporting information considered: variant annotation: p.Phe920ValfsTer2; Frameshift; Protein domain: P-domain-enriched; submitted notation: NM_000053.4:c.2757dup (p.Phe920ValfsTer2); source variant type: Frameshift; source domain: P-domain-enriched; allele count n=230: 1.